The following is an entry in ClinVar:

ClinVar aggregate classification (germline): Uncertain significance. Review status: criteria provided, multiple submitters, no conflicts (2 of 4 stars). 3 submissions from 3 submitters: Uncertain significance (3). Last evaluated 2026-06-12.

Conditions:
Inborn genetic diseases. Identifiers: MedGen C0950123, MeSH D030342.

Allele frequency attached by ClinVar (database versions not stated): gnomAD 0.00001; gnomAD exomes 0.00001 and 0.00002; ExAC 0.00002; TOPMed 0.00003.

Submissions (3):

Ambry Genetics
Classification: Uncertain significance for Inborn genetic diseases. Last evaluated: 2026-06-12. Review status: criteria provided, single submitter. Criteria: Ambry Variant Classification Scheme 2023. Collection method: clinical testing. Allele origin: germline.
Comment: The c.9860G>A (p.R3287H) alteration is located in exon 69 (coding exon 69) of the SZT2 gene. This alteration results from a G to A substitution at nucleotide position 9860, causing the arginine (R) at amino acid position 3287 to be replaced by a histidine (H). Based on data from gnomAD, the A allele has an overall frequency of 0.001% (2/251476) total alleles studied. The highest observed frequency was 0.002% (2/113758) of European (non-Finnish) alleles. Based on insufficient or conflicting evidence, the clinical significance of this alteration remains unclear.

Blueprint Genetics
Classification: Uncertain significance. Last evaluated: 2024-08-27. Review status: criteria provided, single submitter. Criteria: ACMG Guidelines, 2015. Collection method: clinical testing. Allele origin: germline.

Labcorp Genetics (formerly Invitae), Labcorp
Classification: Uncertain significance. Last evaluated: 2022-08-23. Review status: criteria provided, single submitter. Criteria: Invitae Variant Classification Sherloc (09022015). Collection method: clinical testing. Allele origin: germline.
Comment: In summary, the available evidence is currently insufficient to determine the role of this variant in disease. Therefore, it has been classified as a Variant of Uncertain Significance. Algorithms developed to predict the effect of missense changes on protein structure and function are either unavailable or do not agree on the potential impact of this missense change (SIFT: "Deleterious"; PolyPhen-2: "Probably Damaging"; Align-GVGD: "Class C0"). ClinVar contains an entry for this variant (Variation ID: 836863). This variant has not been reported in the literature in individuals affected with SZT2-related conditions. This variant is present in population databases (rs775799586, gnomAD 0.002%). This sequence change replaces arginine, which is basic and polar, with histidine, which is basic and polar, at codon 3287 of the SZT2 protein (p.Arg3287His).

NM_001365999.1(SZT2):c.10031G>A (p.Arg3344His)

Gene: SZT2 (SZT2 subunit of KICSTOR complex; plus strand). Cytogenetic location: 1p34.2.
Variant type: single nucleotide variant.
Coding change: c.10031G>A on transcript NM_001365999.1 (MANE Select); coding-DNA position 10031, G replaced by A.
Protein change: p.Arg3344His; replaces arginine 3344 with histidine.
Molecular consequence: missense variant.
Genome position (GRCh38, 1-based): chr1:43,448,673, G>A. VCF-style: chr1-43448673-G-A. GRCh37 (hg19) VCF-style: chr1-43914344-G-A.
Other names: c.9860G>A, p.Arg3287His (NM_015284.4); short protein forms R3287H, R3344H.
Identifiers: ClinVar variation 836863 (VCV000836863.9), dbSNP rs775799586, ClinGen allele CA811065.